The following is an entry in ClinVar:

NM_014055.4(IFT81):c.1848+6A>T

Gene: IFT81 (intraflagellar transport 81; plus strand). Cytogenetic location: 12q24.11.
Variant type: single nucleotide variant.
Coding change: c.1848+6A>T on transcript NM_014055.4 (MANE Select); 6 bases into the intron after coding-DNA position 1848, A replaced by T.
Molecular consequence: intron variant.
Genome position (GRCh38, 1-based): chr12:110,209,222, A>T. VCF-style: chr12-110209222-A-T. GRCh37 (hg19) VCF-style: chr12-110647027-A-T.
Other names: c.918+6A>T (NM_001347948.2, NM_001347947.2); c.1848+6A>T (NM_001143779.2).
Identifiers: ClinVar variation 938015 (VCV000938015.9), dbSNP rs1566172325, ClinGen allele CA1139662871.

ClinVar aggregate classification (germline): Uncertain significance (1 of 4 stars; one submission).

gnomAD v4.1: 1 of 1,472,346 alleles (0.000068%); highest among the groups gnomAD compares: Non-Finnish European, 0.000095%; no homozygotes.

Submission:

Labcorp Genetics (formerly Invitae), Labcorp
Classification: Uncertain significance. Last evaluated: 2019-09-26. Review status: criteria provided, single submitter. Criteria: Invitae Variant Classification Sherloc (09022015). Collection method: clinical testing. Allele origin: germline.
Comment: In summary, the available evidence is currently insufficient to determine the role of this variant in disease. Therefore, it has been classified as a Variant of Uncertain Significance. Nucleotide substitutions within the consensus splice site are a relatively common cause of aberrant splicing (PMID: 17576681, 9536098). Algorithms developed to predict the effect of sequence changes on RNA splicing suggest that this variant is not likely to affect RNA splicing, but this prediction has not been confirmed by published transcriptional studies. This variant has not been reported in the literature in individuals with IFT81-related conditions. This variant is not present in population databases (ExAC no frequency). This sequence change falls in intron 18 of the IFT81 gene. It does not directly change the encoded amino acid sequence of the IFT81 protein, but it affects a nucleotide within the consensus splice site of the intron.

Literature cited by the submitters: PubMed 17576681; PubMed 9536098.